The following is an entry in ClinVar:

NM_000218.3(KCNQ1):c.1252-15T>C

Gene: KCNQ1 (potassium voltage-gated channel subfamily Q member 1; plus strand). Cytogenetic location: 11p15.5.
Variant type: single nucleotide variant.
Coding change: c.1252-15T>C on transcript NM_000218.3 (MANE Select); 15 bases into the intron before coding-DNA position 1252, T replaced by C.
Molecular consequence: intron variant.
Genome position (GRCh38, 1-based): chr11:2,588,698, T>C. VCF-style: chr11-2588698-T-C. GRCh37 (hg19) VCF-style: chr11-2609928-T-C.
Other names: c.982-15T>C (NM_001406837.1); c.1156-15T>C (NM_001406836.1); c.712-15T>C (NM_001406838.1); c.871-15T>C (NM_181798.2).
Identifiers: ClinVar variation 513262 (VCV000513262.12), dbSNP rs367880913, ClinGen allele CA028158.
Genomic context (GRCh38, chr11:2,588,698, plus strand): 5'-AGGCACTCTGGGGCCGGCGTAGGGCCTGGCAGACGATGTCCAGGAACCGCTAATCTGTTG[T>C]CTTGTTTTTTTTAGGTAAAGAAAAAAAAGTTCAAGCTGGACAAAGACAATGGGGTGACTC-3'

ClinVar aggregate classification (germline): Likely benign. Review status: criteria provided, multiple submitters, no conflicts (2 of 4 stars). 4 submissions from 4 submitters: Likely benign (4). Last evaluated 2025-10-01.

Conditions:
Long QT syndrome (LQTS). Identifiers: MedGen C0023976, MeSH D008133, MONDO:0002442. Disease mechanism: loss of function. Inheritance: Various modes of inheritance.
Cardiac arrhythmia. Also called: Arrhythmia; Cardiac rhythm disease. Identifiers: MedGen C0003811, MONDO:0007263, HP:0011675.

Allele frequency attached by ClinVar (database versions not stated): gnomAD 0.00001 and 0.00002; gnomAD exomes 0.00003 and 0.00004; ExAC 0.00004; ESP Exome Variant Server 0.00015; TOPMed 0.00002.
gnomAD v4.1: 55 of 1,613,056 alleles (0.0034%); highest among the groups gnomAD compares: Non-Finnish European, 0.0047%; no homozygotes.

Submissions (4):

Labcorp Genetics (formerly Invitae), Labcorp
Classification: Likely benign for Long QT syndrome. Last evaluated: 2025-10-01. Review status: criteria provided, single submitter. Criteria: Invitae Variant Classification Sherloc (09022015). Collection method: clinical testing. Allele origin: germline.

Blueprint Genetics
Classification: Likely benign. Last evaluated: 2023-02-07. Review status: criteria provided, single submitter. Criteria: ACMG Guidelines, 2015. Collection method: clinical testing. Allele origin: germline.

Color Diagnostics, LLC DBA Color Health
Classification: Likely benign for Arrhythmia. Last evaluated: 2019-01-27. Review status: criteria provided, single submitter. Criteria: ACMG Guidelines, 2015. Collection method: clinical testing. Allele origin: germline.

GeneDx
Classification: Likely benign. Last evaluated: 2017-11-15. Review status: criteria provided, single submitter. Criteria: GeneDx Variant Classification (06012015). Collection method: clinical testing. Allele origin: germline. Affected: yes.
Comment: This variant is considered likely benign or benign based on one or more of the following criteria: it is a conservative change, it occurs at a poorly conserved position in the protein, it is predicted to be benign by multiple in silico algorithms, and/or has population frequency not consistent with disease.